The following is an entry in ClinVar:

ClinVar aggregate classification (germline): Likely benign. Review status: criteria provided, multiple submitters, no conflicts (2 of 4 stars). 2 submissions from 2 submitters: Likely benign (2). Last evaluated 2025-12-29.

Conditions:
Osteogenesis imperfecta type I (OI1). Also called: OI, TYPE I; OSTEOGENESIS IMPERFECTA TARDA; OSTEOGENESIS IMPERFECTA WITH BLUE SCLERAE; Osteogenesis imperfecta type 1; Classic Non-deforming Osteogenesis Imperfecta with Blue Sclerae; Lobstein's Disease. Identifiers: Orphanet 216796, Orphanet 666, MedGen C0023931, MONDO:0008146, OMIM 166200. Disease mechanism: loss of function.
Ehlers-Danlos syndrome, classic type, 1 (EDSCL1). Also called: EDS I; EHLERS-DANLOS SYNDROME, GRAVIS TYPE; EHLERS-DANLOS SYNDROME, SEVERE CLASSIC TYPE; Ehlers-Danlos Syndrome, Classic Type, COL5A1-Related; Ehlers-Danlos syndrome, type 1. Identifiers: MedGen C0268335, MONDO:0019567, OMIM 130000.

Allele frequency attached by ClinVar (database versions not stated): gnomAD exomes below 0.00001; TOPMed below 0.00001; gnomAD 0.00001.

Submissions (2):

Labcorp Genetics (formerly Invitae), Labcorp
Classification: Likely benign for Osteogenesis imperfecta type I; Ehlers-Danlos syndrome, classic type, 1. Last evaluated: 2025-12-29. Review status: criteria provided, single submitter. Criteria: Invitae Variant Classification Sherloc (09022015). Collection method: clinical testing. Allele origin: germline.

Mayo Clinic Laboratories, Mayo Clinic
Classification: Likely benign. Last evaluated: 2025-07-08. Review status: criteria provided, single submitter. Criteria: ACMG Guidelines, 2015. Collection method: clinical testing. Allele origin: germline. Observed: 1 variant allele.
Comment: BP4, BP7

NM_000089.4(COL1A2):c.513T>C (p.Pro171=)

Gene: COL1A2 (collagen type I alpha 2 chain; plus strand). Cytogenetic location: 7q21.3.
Variant type: single nucleotide variant.
Coding change: c.513T>C on transcript NM_000089.4 (MANE Select); coding-DNA position 513, T replaced by C.
Protein change: p.Pro171=; no amino-acid change (proline 171 retained).
Molecular consequence: synonymous variant.
Genome position (GRCh38, 1-based): chr7:94,405,699, T>C. VCF-style: chr7-94405699-T-C. GRCh37 (hg19) VCF-style: chr7-94035011-T-C.
Other names: p.Pro171=.
Identifiers: ClinVar variation 726436 (VCV000726436.9), dbSNP rs1204358667, ClinGen allele CA456487620.